The following is an entry in ClinVar:

ClinVar aggregate classification (germline): Uncertain significance (1 of 4 stars; one submission).

Conditions:
Osteogenesis imperfecta type I (OI1). Also called: Lobstein disease; OI, TYPE I; OSTEOGENESIS IMPERFECTA TARDA; OSTEOGENESIS IMPERFECTA WITH BLUE SCLERAE; Osteogenesis imperfecta type 1; Lobstein's Disease. Identifiers: Orphanet 216796, Orphanet 666, MedGen C0023931, MONDO:0008146, OMIM 166200. Disease mechanism: loss of function.
Ehlers-Danlos syndrome, classic type, 1 (EDSCL1). Also called: EDS I; EHLERS-DANLOS SYNDROME, GRAVIS TYPE; EHLERS-DANLOS SYNDROME, SEVERE CLASSIC TYPE; Ehlers-Danlos syndrome, type 1; Ehlers-Danlos Syndrome, Classic Type, COL5A1-Related. Identifiers: MedGen C0268335, MONDO:0019567, OMIM 130000.

Allele frequency attached by ClinVar (database versions not stated): gnomAD 0.00001; gnomAD exomes 0.00002; ExAC 0.00002.
gnomAD v4.1: 33 of 1,613,862 alleles (0.002%); highest among the groups gnomAD compares: South Asian, 0.035%; no homozygotes.

Submission:

Labcorp Genetics (formerly Invitae), Labcorp
Classification: Uncertain significance for Osteogenesis imperfecta type I; Ehlers-Danlos syndrome, classic type, 1. Last evaluated: 2023-09-05. Review status: criteria provided, single submitter. Criteria: Invitae Variant Classification Sherloc (09022015). Collection method: clinical testing. Allele origin: germline.
Comment: Variants that disrupt the consensus splice site are a relatively common cause of aberrant splicing (PMID: 17576681, 9536098). Algorithms developed to predict the effect of sequence changes on RNA splicing suggest that this variant is not likely to affect RNA splicing. In summary, the available evidence is currently insufficient to determine the role of this variant in disease. Therefore, it has been classified as a Variant of Uncertain Significance. This variant has not been reported in the literature in individuals affected with COL1A2-related conditions. This variant is present in population databases (rs762186557, gnomAD 0.02%). This sequence change falls in intron 26 of the COL1A2 gene. It does not directly change the encoded amino acid sequence of the COL1A2 protein. It affects a nucleotide within the consensus splice site.

Literature cited by the submitters: PubMed 17576681; PubMed 9536098.

NM_000089.4(COL1A2):c.1557+6T>C

Gene: COL1A2 (collagen type I alpha 2 chain; plus strand). Cytogenetic location: 7q21.3.
Variant type: single nucleotide variant.
Coding change: c.1557+6T>C on transcript NM_000089.4 (MANE Select); 6 bases into the intron after coding-DNA position 1557, T replaced by C.
Molecular consequence: intron variant.
Genome position (GRCh38, 1-based): chr7:94,413,142, T>C. VCF-style: chr7-94413142-T-C. GRCh37 (hg19) VCF-style: chr7-94042454-T-C.
Identifiers: ClinVar variation 2924800 (VCV002924800.3), dbSNP rs762186557, ClinGen allele CA4347101.